The following is an entry in ClinVar:

ClinVar aggregate classification (germline): Uncertain significance. Review status: criteria provided, multiple submitters, no conflicts (2 of 4 stars). 4 submissions from 4 submitters: Uncertain significance (4). Last evaluated 2025-09-15.

Conditions:
Cardiovascular phenotype. Identifiers: MedGen CN230736.
Hypertrophic cardiomyopathy 12. Identifiers: MedGen C2677491, MONDO:0012804, OMIM 612124.
Dilated cardiomyopathy 1M (CMD1M). Identifiers: Orphanet 154, MedGen C1843808, MONDO:0011840, OMIM 607482.

gnomAD v4.1: 2 of 1,614,136 alleles (0.00012%); highest among the groups gnomAD compares: Non-Finnish European, 0.00017%; no homozygotes.

Submissions (4):

Labcorp Genetics (formerly Invitae), Labcorp
Classification: Uncertain significance for Hypertrophic cardiomyopathy 12; Dilated cardiomyopathy 1M. Last evaluated: 2025-09-15. Review status: criteria provided, single submitter. Criteria: Invitae Variant Classification Sherloc (09022015). Collection method: clinical testing. Allele origin: germline.
Comment: This sequence change replaces glycine, which is neutral and non-polar, with valine, which is neutral and non-polar, at codon 180 of the CSRP3 protein (p.Gly180Val). This variant is not present in population databases (gnomAD no frequency). This variant has not been reported in the literature in individuals affected with CSRP3-related conditions. ClinVar contains an entry for this variant (Variation ID: 179488). An algorithm developed to predict the effect of missense changes on protein structure and function (PolyPhen-2) suggests that this variant is likely to be disruptive. In summary, the available evidence is currently insufficient to determine the role of this variant in disease. Therefore, it has been classified as a Variant of Uncertain Significance.

GeneDx
Classification: Uncertain significance. Last evaluated: 2023-07-24. Review status: criteria provided, single submitter. Criteria: GeneDx Variant Classification Process June 2021. Collection method: clinical testing. Allele origin: germline. Affected: yes.
Comment: Not observed at significant frequency in large population cohorts (gnomAD); In silico analysis supports that this missense variant has a deleterious effect on protein structure/function; Has not been previously published as pathogenic or benign to our knowledge

Ambry Genetics
Classification: Uncertain significance for Cardiovascular phenotype. Last evaluated: 2022-02-14. Review status: criteria provided, single submitter. Criteria: Ambry Variant Classification Scheme 2023. Collection method: clinical testing. Allele origin: germline.
Comment: The p.G180V variant (also known as c.539G>T), located in coding exon 5 of the CSRP3 gene, results from a G to T substitution at nucleotide position 539. The glycine at codon 180 is replaced by valine, an amino acid with dissimilar properties. This amino acid position is conserved. In addition, this alteration is predicted to be deleterious by in silico analysis. Since supporting evidence is limited at this time, the clinical significance of this alteration remains unclear.

Laboratory for Molecular Medicine, Mass General Brigham Personalized Medicine
Classification: Uncertain significance. Last evaluated: 2013-12-17. Review status: criteria provided, single submitter. Criteria: LMM Criteria. Collection method: clinical testing. Allele origin: germline. Observed: 1 variant allele.
Comment: The Gly180Val variant in CSRP has not been previously reported in individuals wi th cardiomyopathy or in large population studies. Computational analyses (bioche mical amino acid properties, conservation, AlignGVGD, PolyPhen2, MAPP, MutationT aster and SIFT) suggest that this variant may impact the protein, though this in formation is not predictive enough to determine pathogenicity. Additional inform ation is needed to fully assess the clinical significance of the Gly180Val varia nt.

NM_003476.5(CSRP3):c.539G>T (p.Gly180Val)

Gene: CSRP3 (cysteine and glycine rich protein 3; minus strand). Cytogenetic location: 11p15.1.
Variant type: single nucleotide variant.
Coding change: c.539G>T on transcript NM_003476.5 (MANE Select); coding-DNA position 539, G replaced by T.
Protein change: p.Gly180Val; replaces glycine 180 with valine.
Molecular consequence: missense variant.
Genome position (GRCh38, 1-based): chr11:19,182,716, C>A on the plus strand (G>T on the coding strand, the complement: CSRP3 is on the minus strand). VCF-style: chr11-19182716-C-A. GRCh37 (hg19) VCF-style: chr11-19204263-C-A.
Other names: c.539G>T (NM_003476.4); c.370G>T, p.Val124Leu (NM_001369404.1); short protein forms G180V, V124L.
Identifiers: ClinVar variation 179488 (VCV000179488.10), dbSNP rs727504899, ClinGen allele CA184524.